The following is an entry in ClinVar:

NM_032119.4(ADGRV1):c.17442C>A (p.Thr5814=)

Gene: ADGRV1 (adhesion G protein-coupled receptor V1; plus strand). Cytogenetic location: 5q14.3.
Variant type: single nucleotide variant.
Coding change: c.17442C>A on transcript NM_032119.4 (MANE Select); coding-DNA position 17442, C replaced by A.
Protein change: p.Thr5814=; no amino-acid change (threonine 5814 retained).
Molecular consequence: synonymous variant. On other transcripts: non-coding transcript variant (1).
Genome position (GRCh38, 1-based): chr5:90,853,521, C>A. VCF-style: chr5-90853521-C-A. GRCh37 (hg19) VCF-style: chr5-90149338-C-A.
Identifiers: ClinVar variation 743633 (VCV000743633.23), dbSNP rs373215743, ClinGen allele CA3342362.

ClinVar aggregate classification (germline): Likely benign. Review status: criteria provided, multiple submitters, no conflicts (2 of 4 stars). 3 submissions from 3 submitters: Likely benign (3). Last evaluated 2025-10-18.

Allele frequency attached by ClinVar (database versions not stated): gnomAD exomes 0.00002; ExAC 0.00005; ESP Exome Variant Server 0.00008; gnomAD 0.00009 and 0.00010; TOPMed 0.00011.
gnomAD v4.1: 31 of 1,609,268 alleles (0.0019%); highest among the groups gnomAD compares: African/African-American, 0.025%; no homozygotes.

Submissions (3):

Labcorp Genetics (formerly Invitae), Labcorp
Classification: Likely benign. Last evaluated: 2025-10-18. Review status: criteria provided, single submitter. Criteria: Invitae Variant Classification Sherloc (09022015). Collection method: clinical testing. Allele origin: germline.

CeGaT Center for Human Genetics Tuebingen
Classification: Likely benign. Last evaluated: 2024-09-01. Review status: criteria provided, single submitter. Criteria: CeGaT Center For Human Genetics Tuebingen Variant Classification Criteria Version 2. Collection method: clinical testing. Allele origin: germline. Affected: yes. Observed: 1 variant allele.
Comment: ADGRV1: BP4, BP7

Blueprint Genetics
Classification: Likely benign. Last evaluated: 2023-02-10. Review status: criteria provided, single submitter. Criteria: ACMG Guidelines, 2015. Collection method: clinical testing. Allele origin: germline.